The following is an entry in ClinVar:

NM_004540.5(NCAM2):c.55+73253CTAT[9]

Gene: NCAM2 (neural cell adhesion molecule 2; plus strand). Cytogenetic location: 21q21.1.
Variant type: Microsatellite.
Coding change: c.55+73253CTAT[9] on transcript NM_004540.5 (MANE Select); nine copies in a row of the 4-base unit CTAT starting at c.55+73253; the reference has 13 copies in a row; four copies, 16 bases deleted.
Molecular consequence: intron variant.
Genome position (GRCh38, 1-based): chr21:21,071,907-21,071,922, CTATCTATCTATCTAT deleted; deleting any 16 consecutive bases within chr21:21,071,871-21,071,922 gives the same sequence; the position shown is the placement nearest the transcript's 3' end. VCF-style (leftmost placement, unchanged base first): chr21-21071870-CCTATCTATCTATCTAT-C. GRCh37 (hg19) VCF-style: chr21-22444188-CCTATCTATCTATCTAT-C.
Other names: c.-22+73253CTAT[9] (NM_001352592.2); c.55+73253CTAT[9] (NM_001352591.2, NM_001352595.2, NM_001352593.2 and 2 more transcripts).
Identifiers: ClinVar variation 4874094 (VCV004874094.2).
Genomic context (GRCh38, chr21:21,071,870, plus strand): 5'-GATTCAGTAAATGTTAGCTACATAATAAAGTGTATACTGCCCAATTATTTGTCATGTCTG[CCTATCTATCTATCTAT>C]CTATCTATCTATCTATCTATCTATCTATCTATCTATATTTTTTTGAGACGGAGTGTTGCT-3'

ClinVar aggregate classification (germline): Likely benign (1 of 4 stars; one submission).

Submission:

CeGaT Center for Human Genetics Tuebingen
Classification: Likely benign. Last evaluated: 2026-06-01. Review status: criteria provided, single submitter. Criteria: CeGaT Center For Human Genetics Tuebingen Variant Classification Criteria Version 2. Collection method: clinical testing. Allele origin: germline. Affected: yes. Observed: 1 variant allele.
Comment: NCAM2: BS2